The following is an entry in ClinVar:

ClinVar aggregate classification (germline): Conflicting classifications of pathogenicity. Review status: criteria provided, conflicting classifications (1 of 4 stars). 2 submissions from 2 submitters: Uncertain significance (1); Likely benign (1). Last evaluated 2025-05-07.

Conditions:
Dyskeratosis congenita. Identifiers: Orphanet 1775, MedGen C0265965, MONDO:0015780.
Dyskeratosis congenita, autosomal dominant 2. Identifiers: MedGen C3151443, MONDO:0013521, OMIM 613989.
Idiopathic Pulmonary Fibrosis. Also called: Idiopathic fibrosing alveolitis, chronic form; idiopathic fibrosing alveolitis. Identifiers: Orphanet 2032, MedGen C1800706, MeSH D054990, MONDO:0800504.

Allele frequency attached by ClinVar (database versions not stated): TOPMed 0.00002; ESP Exome Variant Server 0.00008.
gnomAD v4.1: 54 of 1,609,632 alleles (0.0034%); highest among the groups gnomAD compares: Non-Finnish European, 0.0036%; no homozygotes.

Submissions (2):

Labcorp Genetics (formerly Invitae), Labcorp
Classification: Likely benign for Dyskeratosis congenita, autosomal dominant 2; Idiopathic Pulmonary Fibrosis. Last evaluated: 2025-05-07. Review status: criteria provided, single submitter. Criteria: Invitae Variant Classification Sherloc (09022015). Collection method: clinical testing. Allele origin: germline.

Ambry Genetics
Classification: Uncertain significance for Dyskeratosis congenita. Last evaluated: 2025-01-15. Review status: criteria provided, single submitter. Criteria: Ambry Variant Classification Scheme 2023. Collection method: clinical testing. Allele origin: germline.
Comment: The c.2383-5C>T intronic variant results from a C to T substitution 5 nucleotides upstream from coding exon 8 in the TERT gene. This nucleotide position is poorly conserved in available vertebrate species. In silico splice site analysis predicts that this alteration will not have any significant effect on splicing. Based on the available evidence, the clinical significance of this variant remains unclear.

NM_198253.3(TERT):c.2383-5C>T

Gene: TERT (telomerase reverse transcriptase; minus strand). Cytogenetic location: 5p15.33.
Variant type: single nucleotide variant.
Coding change: c.2383-5C>T on transcript NM_198253.3 (MANE Select); 5 bases into the intron before coding-DNA position 2383, C replaced by T.
Molecular consequence: intron variant.
Genome position (GRCh38, 1-based): chr5:1,271,209, G>A on the plus strand (C>T on the coding strand, the complement: TERT is on the minus strand). VCF-style: chr5-1271209-G-A. GRCh37 (hg19) VCF-style: chr5-1271324-G-A.
Other names: c.2383-5C>T (NM_001193376.3).
Identifiers: ClinVar variation 539283 (VCV000539283.12), dbSNP rs373488315, ClinGen allele CA3184528.
Genomic context (GRCh38, chr5:1,271,209, plus strand): 5'-ATGAAGCGTAGGAAGACGTCGAAGAGGCCACTGCTGGCCTCATTCAGGGAGGAGCTCTGC[G>A]AAAGCAGACGGGAGACACATGGGAGTGAGCCGGTGGGTGCTGAGACAGGCAGGACCACGT-3'